The following is an entry in ClinVar:

NM_001145809.2(MYH14):c.260G>C (p.Arg87Thr)

Gene: MYH14 (myosin heavy chain 14; plus strand). Cytogenetic location: 19q13.33.
Variant type: single nucleotide variant.
Coding change: c.260G>C on transcript NM_001145809.2 (MANE Select); coding-DNA position 260, G replaced by C.
Protein change: p.Arg87Thr; replaces arginine 87 with threonine.
Molecular consequence: missense variant.
Genome position (GRCh38, 1-based): chr19:50,210,625, G>C. VCF-style: chr19-50210625-G-C. GRCh37 (hg19) VCF-style: chr19-50713882-G-C.
Other names: c.260G>C, p.Arg87Thr (NM_001077186.2, NM_024729.4); short protein forms R87T.
Identifiers: ClinVar variation 2121815 (VCV002121815.4), dbSNP rs1233269436, ClinGen allele CA406946382.

ClinVar aggregate classification (germline): Uncertain significance (1 of 4 stars; one submission).

Allele frequency attached by ClinVar (database versions not stated): TOPMed below 0.00001; gnomAD 0.00001.

Submission:

Labcorp Genetics (formerly Invitae), Labcorp
Classification: Uncertain significance. Last evaluated: 2022-10-01. Review status: criteria provided, single submitter. Criteria: Invitae Variant Classification Sherloc (09022015). Collection method: clinical testing. Allele origin: germline.
Comment: In summary, the available evidence is currently insufficient to determine the role of this variant in disease. Therefore, it has been classified as a Variant of Uncertain Significance. Algorithms developed to predict the effect of missense changes on protein structure and function (SIFT, PolyPhen-2, Align-GVGD) all suggest that this variant is likely to be disruptive. This variant has not been reported in the literature in individuals affected with MYH14-related conditions. This variant is not present in population databases (gnomAD no frequency). This sequence change replaces arginine, which is basic and polar, with threonine, which is neutral and polar, at codon 87 of the MYH14 protein (p.Arg87Thr).